The following is an entry in ClinVar:

NM_000038.6(APC):c.7823C>G (p.Ala2608Gly)

Gene: APC (APC regulator of Wnt signaling pathway; plus strand). Cytogenetic location: 5q22.2.
Variant type: single nucleotide variant.
Coding change: c.7823C>G on transcript NM_000038.6 (MANE Select); coding-DNA position 7823, C replaced by G.
Protein change: p.Ala2608Gly; replaces alanine 2608 with glycine.
Molecular consequence: missense variant.
Genome position (GRCh38, 1-based): chr5:112,843,417, C>G. VCF-style: chr5-112843417-C-G. GRCh37 (hg19) VCF-style: chr5-112179114-C-G.
Other names: c.7823C>G, p.Ala2608Gly (NM_001127510.3, NM_001354895.2); c.7769C>G, p.Ala2590Gly (NM_001127511.3); c.7877C>G, p.Ala2626Gly (NM_001354896.2); c.7853C>G, p.Ala2618Gly (NM_001354897.2); c.7748C>G, p.Ala2583Gly (NM_001354898.2); c.7739C>G, p.Ala2580Gly (NM_001354899.2); c.7700C>G, p.Ala2567Gly (NM_001354900.2); c.7646C>G, p.Ala2549Gly (NM_001354901.2); and 5 more; short protein forms A2590G, A2608G, A2325G, A2507G, A2549G, A2626G, A2583G, A2448G.
Identifiers: ClinVar variation 537514 (VCV000537514.12), dbSNP rs1554088688, ClinGen allele CA16038327.

ClinVar aggregate classification (germline): Uncertain significance. Review status: criteria provided, multiple submitters, no conflicts (2 of 4 stars). 2 submissions from 2 submitters: Uncertain significance (2). Last evaluated 2019-06-12.

Conditions:
Familial adenomatous polyposis 1 (FAP1). Also called: FAMILIAL ADENOMATOUS POLYPOSIS 1, ATTENUATED; POLYPOSIS, ADENOMATOUS INTESTINAL. Identifiers: MedGen C2713442, MONDO:0021056, OMIM 175100. Disease mechanism: loss of function.

Submissions (2):

GeneDx
Classification: Uncertain significance. Last evaluated: 2019-06-12. Review status: criteria provided, single submitter. Criteria: GeneDx Variant Classification Process June 2021. Collection method: clinical testing. Allele origin: germline. Affected: yes.
Comment: Not observed in large population cohorts (Lek et al., 2016); In silico analysis, which includes protein predictors and evolutionary conservation, supports that this variant does not alter protein structure/function; Has not been previously published as pathogenic or benign to our knowledge

Labcorp Genetics (formerly Invitae), Labcorp
Classification: Uncertain significance for Familial adenomatous polyposis 1. Last evaluated: 2017-12-28. Review status: criteria provided, single submitter. Criteria: Invitae Variant Classification Sherloc (09022015). Collection method: clinical testing. Allele origin: germline.
Comment: This sequence change replaces alanine with glycine at codon 2608 of the APC protein (p.Ala2608Gly). The alanine residue is weakly conserved and there is a small physicochemical difference between alanine and glycine. In summary, the available evidence is currently insufficient to determine the role of this variant in disease. Therefore, it has been classified as a Variant of Uncertain Significance. Algorithms developed to predict the effect of missense changes on protein structure and function (SIFT, PolyPhen-2, Align-GVGD) all suggest that this variant is likely to be tolerated, but these predictions have not been confirmed by published functional studies and their clinical significance is uncertain. This variant has not been reported in the literature in individuals with APC-related disease. This variant is not present in population databases (ExAC no frequency).